The following is an entry in ClinVar:

ClinVar aggregate classification (germline): Conflicting classifications of pathogenicity. Review status: criteria provided, conflicting classifications (1 of 4 stars). 5 submissions from 5 submitters: Likely pathogenic (1); Uncertain significance (4). Last evaluated 2025-09-03.

Conditions:
Alzheimer disease 4 (AD4). Identifiers: Orphanet 1020, MedGen C1847200, MONDO:0011743, OMIM 606889.
Dilated cardiomyopathy 1V (CMD1V). Identifiers: Orphanet 154, MedGen C3150958, MONDO:0013373, OMIM 613697.

Allele frequency attached by ClinVar (database versions not stated): gnomAD 0.00001 and 0.00002; ExAC 0.00002; gnomAD exomes 0.00002 and 0.00005; TOPMed 0.00002; ESP Exome Variant Server 0.00015.

Submissions (5):

GeneDx
Classification: Uncertain significance. Last evaluated: 2025-09-03. Review status: criteria provided, single submitter. Criteria: GeneDx Variant Classification Process June 2021. Collection method: clinical testing. Allele origin: germline. Affected: yes.
Comment: Previously reported as a variant of uncertain significance or possible risk factor for Alzheimer's disease with conflicting interpretations of pathogenicity (PMID: 30021643, 32087291, 37308299); In silico analysis supports that this missense variant has a deleterious effect on protein structure/function; This variant is associated with the following publications: (PMID: 26522186, 25937274, 30045758, 32087291, 30021643, 37308299, 39273625, 39559858, 40281586)

Labcorp Genetics (formerly Invitae), Labcorp
Classification: Uncertain significance for Alzheimer disease 4. Last evaluated: 2025-04-27. Review status: criteria provided, single submitter. Criteria: Invitae Variant Classification Sherloc (09022015). Collection method: clinical testing. Allele origin: germline.
Comment: This sequence change replaces leucine, which is neutral and non-polar, with phenylalanine, which is neutral and non-polar, at codon 238 of the PSEN2 protein (p.Leu238Phe). This variant is present in population databases (rs367855127, gnomAD 0.004%). This missense change has been observed in individual(s) with Alzheimer's disease (PMID: 25937274, 30021643). ClinVar contains an entry for this variant (Variation ID: 448151). Invitae Evidence Modeling of protein sequence and biophysical properties (such as structural, functional, and spatial information, amino acid conservation, physicochemical variation, residue mobility, and thermodynamic stability) indicates that this missense variant is expected to disrupt PSEN2 protein function with a positive predictive value of 80%. Experimental studies are conflicting or provide insufficient evidence to determine the effect of this variant on PSEN2 function (PMID: 30021643, 32087291). In summary, the available evidence is currently insufficient to determine the role of this variant in disease. Therefore, it has been classified as a Variant of Uncertain Significance.

Blueprint Genetics
Classification: Uncertain significance. Last evaluated: 2024-01-30. Review status: criteria provided, single submitter. Criteria: ACMG Guidelines, 2015. Collection method: clinical testing. Allele origin: germline.

Athena Diagnostics
Classification: Likely pathogenic. Last evaluated: 2022-06-08. Review status: criteria provided, single submitter. Criteria: Athena Diagnostics Criteria. Collection method: clinical testing. Allele origin: unknown.
Comment: The frequency of this variant in the general population is consistent with pathogenicity. This variant has been identified in at least one individual with clinical features of Alzheimer disease. Assessment of experimental evidence suggests this variant results in abnormal protein function. When expressed in a cell line lacking endogenous PSEN2, this variant resulted in an increase in the ratio of amyloid beta-42 to -40 (PMID: 32087291).

Fulgent Genetics
Classification: Uncertain significance for Alzheimer disease 4; Dilated cardiomyopathy 1V. Last evaluated: 2021-07-14. Review status: criteria provided, single submitter. Criteria: ACMG Guidelines, 2015. Collection method: clinical testing. Allele origin: unknown.

Literature cited by the submitters: PubMed 25937274 (cited by Labcorp Genetics (formerly Invitae), Labcorp and Athena Diagnostics); PubMed 30021643 (cited by Labcorp Genetics (formerly Invitae), Labcorp and Athena Diagnostics); PubMed 32087291 (cited by Labcorp Genetics (formerly Invitae), Labcorp and Athena Diagnostics); PubMed 30279455 (cited by Athena Diagnostics); PubMed 30045758 (cited by Athena Diagnostics).

NM_000447.3(PSEN2):c.712C>T (p.Leu238Phe)

Gene: PSEN2 (presenilin 2; plus strand). Cytogenetic location: 1q42.13.
Variant type: single nucleotide variant.
Coding change: c.712C>T on transcript NM_000447.3 (MANE Select); coding-DNA position 712, C replaced by T.
Protein change: p.Leu238Phe; replaces leucine 238 with phenylalanine.
Molecular consequence: missense variant.
Genome position (GRCh38, 1-based): chr1:226,888,974, C>T. VCF-style: chr1-226888974-C-T. GRCh37 (hg19) VCF-style: chr1-227076675-C-T.
Other names: c.712C>T, p.Leu238Phe (NM_012486.3); short protein forms L238F.
Identifiers: ClinVar variation 448151 (VCV000448151.13), dbSNP rs367855127, ClinGen allele CA1424616.